The following is an entry in ClinVar:

ClinVar aggregate classification (germline): Uncertain significance (1 of 4 stars; one submission).

Conditions:
Pulmonary fibrosis and/or bone marrow failure, Telomere-related, 3. Also called: PULMONARY FIBROSIS AND/OR BONE MARROW FAILURE SYNDROME, TELOMERE-RELATED, 3. Identifiers: Orphanet 2032, MedGen C4225346, MONDO:0014613, OMIM 616373.
Dyskeratosis congenita, autosomal recessive 5 (DKCB5). Identifiers: MedGen C3554656, MONDO:0014076, OMIM 615190.

Submission:

Labcorp Genetics (formerly Invitae), Labcorp
Classification: Uncertain significance for Dyskeratosis congenita, autosomal recessive 5; Pulmonary fibrosis and/or bone marrow failure, Telomere-related, 3. Last evaluated: 2023-12-14. Review status: criteria provided, single submitter. Criteria: Invitae Variant Classification Sherloc (09022015). Collection method: clinical testing. Allele origin: germline.
Comment: This sequence change replaces arginine, which is basic and polar, with serine, which is neutral and polar, at codon 714 of the RTEL1 protein (p.Arg714Ser). This variant is not present in population databases (gnomAD no frequency). This variant has not been reported in the literature in individuals affected with RTEL1-related conditions. ClinVar contains an entry for this variant (Variation ID: 2175253). An algorithm developed to predict the effect of missense changes on protein structure and function (PolyPhen-2) suggests that this variant is likely to be disruptive. Algorithms developed to predict the effect of sequence changes on RNA splicing suggest that this variant may disrupt the consensus splice site. In summary, the available evidence is currently insufficient to determine the role of this variant in disease. Therefore, it has been classified as a Variant of Uncertain Significance.

NM_001283009.2(RTEL1):c.2142G>C (p.Arg714Ser)

Genes: RTEL1 (regulator of telomere elongation helicase 1; plus strand), RTEL1-TNFRSF6B (RTEL1-TNFRSF6B readthrough (NMD candidate); plus strand). Cytogenetic location: 20q13.33.
Variant type: single nucleotide variant.
Coding change: c.2142G>C on transcript NM_001283009.2 (MANE Select); coding-DNA position 2142, G replaced by C.
Protein change: p.Arg714Ser; replaces arginine 714 with serine.
Molecular consequence: missense variant. On other transcripts: non-coding transcript variant (1).
Genome position (GRCh38, 1-based): chr20:63,690,087, G>C. VCF-style: chr20-63690087-G-C. GRCh37 (hg19) VCF-style: chr20-62321440-G-C.
Other names: c.1473G>C, p.Arg491Ser (NM_001283010.1); c.2142G>C, p.Arg714Ser (NM_016434.4); c.2214G>C, p.Arg738Ser (NM_032957.5); short protein forms R714S, R738S, R491S.
Identifiers: ClinVar variation 2175253 (VCV002175253.4), dbSNP rs2145430556, ClinGen allele CA409679545.
Genomic context (GRCh38, chr20:63,690,087, plus strand): 5'-GGTGAACTGAACCCTTGAAGCGGCTGTGGGCAGGGCAGCAGGGCTATGGCCACCCCCCAG[G>C]TTCGCCTTTGCCGACGCAAGAGCCCAACTGCCCTCCTGGGTGCGTCCCCACGTCAGGGTG-3'
Protein context (NP_001269938.1, residues 704-724): DYGAVFLCDH[Arg714Ser]FAFADARAQL